The following is an entry in ClinVar:

NM_001126128.2(PROK2):c.254G>A (p.Arg85Lys)

Gene: PROK2 (prokineticin 2; minus strand). Cytogenetic location: 3p13.
Variant type: single nucleotide variant.
Coding change: c.254G>A on transcript NM_001126128.2 (MANE Select); coding-DNA position 254, G replaced by A.
Protein change: p.Arg85Lys; replaces arginine 85 with lysine.
Molecular consequence: missense variant. On other transcripts: intron variant (1).
Genome position (GRCh38, 1-based): chr3:71,774,476, C>T on the plus strand (G>A on the coding strand, the complement: PROK2 is on the minus strand). VCF-style: chr3-71774476-C-T. GRCh37 (hg19) VCF-style: chr3-71823627-C-T.
Other names: c.223-1648G>A (NM_021935.4); short protein forms R85K.
Identifiers: ClinVar variation 4987993 (VCV004987993.1).

ClinVar aggregate classification (germline): Uncertain significance (1 of 4 stars; one submission).

Conditions:
PROK2-related disorder. Also called: PROK2-related condition.

Submission:

PreventionGenetics, part of Exact Sciences
Classification: Uncertain significance for PROK2-related condition. Last evaluated: 2026-04-15. Review status: criteria provided, single submitter. Criteria: ACMG Guidelines, 2015. Collection method: clinical testing. Allele origin: germline.
Comment: The PROK2 c.254G>A variant is predicted to result in the amino acid substitution p.Arg85Lys. To our knowledge, this variant has not been reported in the literature. This variant is reported in 0.0033% of alleles in individuals of European (Non-Finnish) descent in gnomAD. At this time, the clinical significance of this variant is uncertain due to the absence of conclusive functional and genetic evidence.